The following is an entry in ClinVar:

ClinVar aggregate classification (germline): Uncertain significance. Review status: criteria provided, multiple submitters, no conflicts (2 of 4 stars). 3 submissions from 3 submitters: Uncertain significance (3). Last evaluated 2024-06-11.

Conditions:
Hereditary cancer-predisposing syndrome. Also called: Hereditary neoplastic syndrome; Neoplastic Syndromes, Hereditary; Tumor predisposition; Hereditary Cancer Syndrome. Identifiers: Orphanet 140162, MedGen C0027672, MeSH D009386, MONDO:0015356.
Multiple endocrine neoplasia type 4. Also called: MULTIPLE ENDOCRINE NEOPLASIA, TYPE IV. Identifiers: Orphanet 276152, MedGen C1970712, MONDO:0012552, OMIM 610755.

Allele frequency attached by ClinVar (database versions not stated): gnomAD exomes below 0.00001.

Submissions (3):

Ambry Genetics
Classification: Uncertain significance for Hereditary cancer-predisposing syndrome. Last evaluated: 2024-06-11. Review status: criteria provided, single submitter. Criteria: Ambry Variant Classification Scheme 2023. Collection method: clinical testing. Allele origin: germline.
Comment: The p.M16V variant (also known as c.46A>G), located in coding exon 1 of the CDKN1B gene, results from an A to G substitution at nucleotide position 46. The methionine at codon 16 is replaced by valine, an amino acid with highly similar properties. This amino acid position is conserved. In addition, this alteration is predicted to be tolerated by in silico analysis. Based on the available evidence, the clinical significance of this variant remains unclear.

GeneDx
Classification: Uncertain significance. Last evaluated: 2024-01-26. Review status: criteria provided, single submitter. Criteria: GeneDx Variant Classification Process June 2021. Collection method: clinical testing. Allele origin: germline. Affected: yes.
Comment: Not observed at significant frequency in large population cohorts (gnomAD); In silico analysis supports that this missense variant does not alter protein structure/function; Has not been previously published as pathogenic or benign to our knowledge

Labcorp Genetics (formerly Invitae), Labcorp
Classification: Uncertain significance for Multiple endocrine neoplasia type 4. Last evaluated: 2022-02-19. Review status: criteria provided, single submitter. Criteria: Invitae Variant Classification Sherloc (09022015). Collection method: clinical testing. Allele origin: germline.
Comment: In summary, the available evidence is currently insufficient to determine the role of this variant in disease. Therefore, it has been classified as a Variant of Uncertain Significance. Algorithms developed to predict the effect of missense changes on protein structure and function (SIFT, PolyPhen-2, Align-GVGD) all suggest that this variant is likely to be tolerated. ClinVar contains an entry for this variant (Variation ID: 1021940). This variant has not been reported in the literature in individuals affected with CDKN1B-related conditions. This variant is present in population databases (no rsID available, gnomAD 0.003%). This sequence change replaces methionine, which is neutral and non-polar, with valine, which is neutral and non-polar, at codon 16 of the CDKN1B protein (p.Met16Val).

NM_004064.5(CDKN1B):c.46A>G (p.Met16Val)

Gene: CDKN1B (cyclin dependent kinase inhibitor 1B; plus strand). Cytogenetic location: 12p13.1.
Variant type: single nucleotide variant.
Coding change: c.46A>G on transcript NM_004064.5 (MANE Select); coding-DNA position 46, A replaced by G.
Protein change: p.Met16Val; replaces methionine 16 with valine.
Molecular consequence: missense variant.
Genome position (GRCh38, 1-based): chr12:12,717,885, A>G. VCF-style: chr12-12717885-A-G. GRCh37 (hg19) VCF-style: chr12-12870819-A-G.
Other names: c.46A>G (NM_004064.4, NM_004064.3); short protein forms M16V.
Identifiers: ClinVar variation 1021940 (VCV001021940.9), dbSNP rs1162081170, ClinGen allele CA383968129.
Genomic context (GRCh38, chr12:12,717,885, plus strand): 5'-AGACCCGGGAGAAAGATGTCAAACGTGCGAGTGTCTAACGGGAGCCCTAGCCTGGAGCGG[A>G]TGGACGCCAGGCAGGCGGAGCACCCCAAGCCCTCGGCCTGCAGGAACCTCTTCGGCCCGG-3'
Protein context (NP_004055.1, residues 6-26): VSNGSPSLER[Met16Val]DARQAEHPKP